The following is an entry in ClinVar:

NM_000080.4(CHRNE):c.501-3C>T

Genes: C17orf107 (chromosome 17 open reading frame 107; plus strand), CHRNE (cholinergic receptor nicotinic epsilon subunit; minus strand). Cytogenetic location: 17p13.2.
Variant type: single nucleotide variant.
Coding change: c.501-3C>T on transcript NM_000080.4 (MANE Select); 3 bases into the intron before coding-DNA position 501, C replaced by T.
Molecular consequence: intron variant. On other transcripts: 3 prime UTR variant (1).
Genome position (GRCh38, 1-based): chr17:4,901,628, G>A on the plus strand (C>T on the coding strand, the complement: CHRNE is on the minus strand). VCF-style: chr17-4901628-G-A. GRCh37 (hg19) VCF-style: chr17-4804923-G-A.
Other names: c.*1095G>A (NM_001145536.2).
Identifiers: ClinVar variation 2053872 (VCV002053872.3), dbSNP rs772091251, ClinGen allele CA8314377.

ClinVar aggregate classification (germline): Uncertain significance (1 of 4 stars; one submission).

Conditions:
Congenital myasthenic syndrome 4A. Also called: CONGENITAL MYASTHENIC SYNDROME TYPE Ia1; Myasthenic syndrome, congenital, 4a, slow-channel; MYASTHENIC SYNDROME, CONGENITAL, 4A, SLOW-CHANNEL, AUTOSOMAL RECESSIVE. Identifiers: Orphanet 590, MedGen C4225413, MONDO:0011600, OMIM 605809.

Allele frequency attached by ClinVar (database versions not stated): gnomAD exomes 0.00001; TOPMed 0.00001; ExAC 0.00004.
gnomAD v4.1: 11 of 1,613,660 alleles (0.00068%); highest among the groups gnomAD compares: Admixed American, 0.01%; no homozygotes.

Submission:

Labcorp Genetics (formerly Invitae), Labcorp
Classification: Uncertain significance for Congenital myasthenic syndrome 4A. Last evaluated: 2025-08-21. Review status: criteria provided, single submitter. Criteria: Invitae Variant Classification Sherloc (09022015). Collection method: clinical testing. Allele origin: germline.
Comment: This sequence change falls in intron 5 of the CHRNE gene. It does not directly change the encoded amino acid sequence of the CHRNE protein. It affects a nucleotide within the consensus splice site. This variant is present in population databases (rs772091251, gnomAD 0.02%). This variant has not been reported in the literature in individuals affected with CHRNE-related conditions. ClinVar contains an entry for this variant (Variation ID: 2053872). Variants that disrupt the consensus splice site are a relatively common cause of aberrant splicing (PMID: 17576681, 9536098). Algorithms developed to predict the effect of sequence changes on RNA splicing suggest that this variant is not likely to affect RNA splicing. In summary, the available evidence is currently insufficient to determine the role of this variant in disease. Therefore, it has been classified as a Variant of Uncertain Significance.

Literature cited by the submitters: PubMed 17576681; PubMed 9536098.